The following is an entry in ClinVar:

NM_001199138.2(NLRC4):c.1025T>C (p.Val342Ala)

Gene: NLRC4 (NLR family CARD domain containing 4; minus strand). Cytogenetic location: 2p22.3.
Variant type: single nucleotide variant.
Coding change: c.1025T>C on transcript NM_001199138.2 (MANE Select); coding-DNA position 1025, T replaced by C.
Protein change: p.Val342Ala; replaces valine 342 with alanine.
Molecular consequence: missense variant. On other transcripts: intron variant (1).
Genome position (GRCh38, 1-based): chr2:32,250,839, A>G on the plus strand (T>C on the coding strand, the complement: NLRC4 is on the minus strand). VCF-style: chr2-32250839-A-G. GRCh37 (hg19) VCF-style: chr2-32475908-A-G.
Other names: c.1025T>C, p.Val342Ala (NM_001199139.2, NM_021209.5); c.262+1580T>C (NM_001302504.1); short protein forms V342A.
Identifiers: ClinVar variation 964163 (VCV000964163.9), dbSNP rs1687057246, ClinGen allele CA346513739.

ClinVar aggregate classification (germline): Uncertain significance (1 of 4 stars; one submission).

Conditions:
Periodic fever-infantile enterocolitis-autoinflammatory syndrome. Also called: Autoinflammation with infantile enterocolitis. Identifiers: Orphanet 436166, MedGen C4015067, MONDO:0014472, OMIM 616050.
Familial cold autoinflammatory syndrome 4 (FCAS4). Identifiers: Orphanet 47045, Orphanet 576349, MedGen C4015276, MONDO:0014498, OMIM 616115.

Submission:

Labcorp Genetics (formerly Invitae), Labcorp
Classification: Uncertain significance for Periodic fever-infantile enterocolitis-autoinflammatory syndrome; Familial cold autoinflammatory syndrome 4. Last evaluated: 2019-10-20. Review status: criteria provided, single submitter. Criteria: Invitae Variant Classification Sherloc (09022015). Collection method: clinical testing. Allele origin: germline.
Comment: In summary, the available evidence is currently insufficient to determine the role of this variant in disease. Therefore, it has been classified as a Variant of Uncertain Significance. Algorithms developed to predict the effect of missense changes on protein structure and function are either unavailable or do not agree on the potential impact of this missense change (SIFT: "Deleterious"; PolyPhen-2: "Possibly Damaging"; Align-GVGD: "Class C0"). This variant has not been reported in the literature in individuals with NLRC4-related conditions. This variant is not present in population databases (ExAC no frequency). This sequence change replaces valine with alanine at codon 342 of the NLRC4 protein (p.Val342Ala). The valine residue is highly conserved and there is a small physicochemical difference between valine and alanine.